The following is an entry in ClinVar:

ClinVar aggregate classification (germline): Pathogenic (1 of 4 stars; one submission).

Submission:

GeneDx
Classification: Pathogenic. Last evaluated: 2019-01-09. Review status: criteria provided, single submitter. Criteria: GeneDx Variant Classification (06012015). Collection method: clinical testing. Allele origin: germline. Affected: yes.
Comment: The c.1462_1466delAAGTT pathogenic variant in the SCN1A gene causes a frameshift starting with codon Lysine 488, changes this amino acid to a Glutamic acid residue and creates a premature Stop codon at position 6 of the new reading frame, denoted p.Lys488GlufsX6. This pathogenic variant is predicted to cause loss of normal protein function either through protein truncation or nonsense-mediated mRNA decay. This variant is not observed in large population cohorts (Lek et al., 2016).

NM_001165963.4(SCN1A):c.1462_1466del (p.Lys488fs)

Gene: SCN1A (sodium voltage-gated channel alpha subunit 1; minus strand). Cytogenetic location: 2q24.3.
Variant type: Deletion.
Coding change: c.1462_1466del on transcript NM_001165963.4 (MANE Select); coding-DNA positions 1462 to 1466, 5 bases deleted (AAGTT; older notation c.1462_1466delAAGTT).
Protein change: p.Lys488fs; shifts the reading frame from lysine 488.
Molecular consequence: frameshift variant. On other transcripts: 5 prime UTR variant (1), non-coding transcript variant (1).
Genome position (GRCh38, 1-based): chr2:166,045,239-166,045,243, AACTT deleted on the plus strand (AAGTT on the coding strand, the reverse complement: SCN1A is on the minus strand); deleting any 5 consecutive bases within chr2:166,045,239-166,045,244 gives the same sequence; the c. name uses the placement nearest the transcript's 3' end. VCF-style (leftmost placement, unchanged base first): chr2-166045238-CAACTT-C. GRCh37 (hg19) VCF-style: chr2-166901748-CAACTT-C.
Other names: c.1462_1466del, p.Lys488fs (NM_001165964.3, NM_001202435.3, NM_001353948.2 and 7 more transcripts); c.1459_1463del, p.Lys487fs (NM_001353954.2, NM_001353955.2, NM_001353960.2); c.-964_-960del (NM_001353961.2); short protein forms K487fs, K488fs.
Identifiers: ClinVar variation 504041 (VCV000504041.2), dbSNP rs1553545742, ClinGen allele CA658795919.